The following is an entry in ClinVar:

NM_001034850.3(RETREG1):c.137A>G (p.Glu46Gly)

Genes: RETREG1 (reticulophagy regulator 1; minus strand), RETREG1-AS1 (RETREG1 antisense RNA 1; plus strand), LOC129993734 (ATAC-STARR-seq lymphoblastoid silent region 15947; plus strand). Cytogenetic location: 5p15.1.
Variant type: single nucleotide variant.
Coding change: c.137A>G on transcript NM_001034850.3 (MANE Select); coding-DNA position 137, A replaced by G.
Protein change: p.Glu46Gly; replaces glutamic acid 46 with glycine.
Molecular consequence: missense variant.
Genome position (GRCh38, 1-based): chr5:16,616,835, T>C on the plus strand (A>G on the coding strand, the complement: RETREG1 is on the minus strand). VCF-style: chr5-16616835-T-C. GRCh37 (hg19) VCF-style: chr5-16616944-T-C.
Other names: short protein forms E46G.
Identifiers: ClinVar variation 451834 (VCV000451834.9), dbSNP rs1015748029, ClinGen allele CA114976552.

ClinVar aggregate classification (germline): Uncertain significance. Review status: criteria provided, multiple submitters, no conflicts (2 of 4 stars). 5 submissions from 5 submitters: Uncertain significance (5). Last evaluated 2025-10-27.

Conditions:
Neuropathy, hereditary sensory and autonomic, type 2B (HSAN2B). Also called: RETREG1-Related HSAN2 (HSAN2B). Identifiers: Orphanet 970, MedGen C2751092, MONDO:0013142, OMIM 613115.
RETREG1-related disorder. Also called: RETREG1-related condition.
Inborn genetic diseases. Identifiers: MedGen C0950123, MeSH D030342.

Allele frequency attached by ClinVar (database versions not stated): gnomAD 0.00003 and 0.00004; gnomAD exomes 0.00003 and 0.00005; TOPMed 0.00004.
gnomAD v4.1: 33 of 1,514,286 alleles (0.0022%); highest among the groups gnomAD compares: East Asian, 0.0079%; no homozygotes.

Submissions (5):

PreventionGenetics, part of Exact Sciences
Classification: Uncertain significance for RETREG1-related condition. Last evaluated: 2025-10-27. Review status: criteria provided, single submitter. Criteria: ACMG Guidelines, 2015. Collection method: clinical testing. Allele origin: germline.
Comment: The RETREG1 c.137A>G variant is predicted to result in the amino acid substitution p.Glu46Gly. To our knowledge, this variant has not been reported in the literature. This variant is reported in 0.0074% of alleles in individuals of European (Non-Finnish) descent in gnomAD. At this time, the clinical significance of this variant is uncertain due to the absence of conclusive functional and genetic evidence.

ARUP Laboratories, Molecular Genetics and Genomics, ARUP Laboratories
Classification: Uncertain significance for Neuropathy, hereditary sensory and autonomic, type 2B. Last evaluated: 2024-12-06. Review status: criteria provided, single submitter. Criteria: ARUP Molecular Germline Variant Investigation Process 2024. Collection method: clinical testing. Allele origin: germline.
Comment: The RETREG1 c.137A>G; p.Glu46Gly variant (rs1015748029), to our knowledge, is not reported in the medical literature but is reported in ClinVar (Variation ID: 451834). This variant is only observed on three allele in the Genome Aggregation Database (v2.1.1), but the allele frequency estimate is considered unreliable due to poor coverage. Computational analyses predict that this variant is neutral (REVEL: 0.016). Due to limited information, the clinical significance of this variant is uncertain at this time.

Ambry Genetics
Classification: Uncertain significance for Inborn genetic diseases. Last evaluated: 2022-03-07. Review status: criteria provided, single submitter. Criteria: Ambry Variant Classification Scheme 2023. Collection method: clinical testing. Allele origin: germline.
Comment: The p.E46G variant (also known as c.137A>G), located in coding exon 1 of the FAM134B gene, results from an A to G substitution at nucleotide position 137. The glutamic acid at codon 46 is replaced by glycine, an amino acid with similar properties. This amino acid position is not well conserved in available vertebrate species. In addition, this alteration is predicted to be tolerated by in silico analysis. Since supporting evidence is limited at this time, the clinical significance of this alteration remains unclear.

Labcorp Genetics (formerly Invitae), Labcorp
Classification: Uncertain significance. Last evaluated: 2021-09-03. Review status: criteria provided, single submitter. Criteria: Invitae Variant Classification Sherloc (09022015). Collection method: clinical testing. Allele origin: germline.
Comment: This sequence change replaces glutamic acid with glycine at codon 46 of the RETREG1 protein (p.Glu46Gly). The glutamic acid residue is weakly conserved and there is a moderate physicochemical difference between glutamic acid and glycine. The frequency data for this variant in the population databases is considered unreliable, as metrics indicate insufficient coverage at this position in the ExAC database. This variant has not been reported in the literature in individuals affected with RETREG1-related conditions. ClinVar contains an entry for this variant (Variation ID: 451834). Algorithms developed to predict the effect of missense changes on protein structure and function are either unavailable or do not agree on the potential impact of this missense change (SIFT: "Tolerated"; PolyPhen-2: "Not Available"; Align-GVGD: "Class C0"). In summary, the available evidence is currently insufficient to determine the role of this variant in disease. Therefore, it has been classified as a Variant of Uncertain Significance.

GeneDx
Classification: Uncertain significance. Last evaluated: 2017-09-08. Review status: criteria provided, single submitter. Criteria: GeneDx Variant Classification (06012015). Collection method: clinical testing. Allele origin: germline. Affected: yes.
Comment: The E46G variant has not been published as a pathogenic variant, nor has it been reported as a benign variant to our knowledge. The E46G variant is not observed in large population cohorts; however, limited data are available (Lek et al., 2016; 1000 Genomes Consortium et al., 2015; Exome Variant Server). The E46G variant is a non-conservative amino acid substitution, which is likely to impact secondary protein structure as these residues differ in polarity, charge, size and/or other properties. However, this substitution occurs at a position that is not conserved, and in silico analysis predicts this variant likely does not alter the protein structure/function. Therefore, based on the currently available information, it is unclear whether this variant is a pathogenic variant or a rare benign variant.